The following is an entry in ClinVar:

ClinVar aggregate classification (germline): Uncertain significance (1 of 4 stars; one submission).

Conditions:
Hereditary orotic aciduria, type 1. Also called: Orotic aciduria type 1; Oroticaciduria 1. Identifiers: MedGen C0268130.

Allele frequency attached by ClinVar (database versions not stated): gnomAD exomes below 0.00001; ExAC 0.00001; gnomAD 0.00001.
gnomAD v4.1: 10 of 1,614,030 alleles (0.00062%); highest among the groups gnomAD compares: South Asian, 0.0033%; no homozygotes.

Submission:

Labcorp Genetics (formerly Invitae), Labcorp
Classification: Uncertain significance for Hereditary orotic aciduria, type 1. Last evaluated: 2023-07-17. Review status: criteria provided, single submitter. Criteria: Invitae Variant Classification Sherloc (09022015). Collection method: clinical testing. Allele origin: germline.
Comment: In summary, the available evidence is currently insufficient to determine the role of this variant in disease. Therefore, it has been classified as a Variant of Uncertain Significance. Advanced modeling of protein sequence and biophysical properties (such as structural, functional, and spatial information, amino acid conservation, physicochemical variation, residue mobility, and thermodynamic stability) performed at Invitae indicates that this missense variant is not expected to disrupt UMPS protein function. ClinVar contains an entry for this variant (Variation ID: 2417137). This variant has not been reported in the literature in individuals affected with UMPS-related conditions. This variant is present in population databases (rs766371401, gnomAD 0.004%). This sequence change replaces valine, which is neutral and non-polar, with alanine, which is neutral and non-polar, at codon 194 of the UMPS protein (p.Val194Ala).

NM_000373.4(UMPS):c.581T>C (p.Val194Ala)

Gene: UMPS (uridine monophosphate synthetase; plus strand). Cytogenetic location: 3q21.2.
Variant type: single nucleotide variant.
Coding change: c.581T>C on transcript NM_000373.4 (MANE Select); coding-DNA position 581, T replaced by C.
Protein change: p.Val194Ala; replaces valine 194 with alanine.
Molecular consequence: missense variant. On other transcripts: non-coding transcript variant (2).
Genome position (GRCh38, 1-based): chr3:124,737,838, T>C. VCF-style: chr3-124737838-T-C. GRCh37 (hg19) VCF-style: chr3-124456685-T-C.
Other names: short protein forms V194A.
Identifiers: ClinVar variation 2417137 (VCV002417137.5), dbSNP rs766371401, ClinGen allele CA2581684.
Genomic context (GRCh38, chr3:124,737,838, plus strand): 5'-GTACATTGTCCAAAATGCTGGAGATTCTCGAGCAGCAGAAAAAAGTTGATGCTGAGACAG[T>C]TGGGAGAGTGAAGAGGTTTATTCAGGAGAATGTCTTTGTGGCAGCGAATCATAATGGTTC-3'
Protein context (NP_000364.1, residues 184-204): EQQKKVDAET[Val194Ala]GRVKRFIQEN